The following is an entry in ClinVar:

NM_005762.3(TRIM28):c.130G>C (p.Ala44Pro)

Genes: TRIM28 (tripartite motif containing 28; plus strand), LOC130065239 (ATAC-STARR-seq lymphoblastoid silent region 11093; plus strand). Cytogenetic location: 19q13.43.
Variant type: single nucleotide variant.
Coding change: c.130G>C on transcript NM_005762.3 (MANE Select); coding-DNA position 130, G replaced by C.
Protein change: p.Ala44Pro; replaces alanine 44 with proline.
Molecular consequence: missense variant.
Genome position (GRCh38, 1-based): chr19:58,544,887, G>C. VCF-style: chr19-58544887-G-C. GRCh37 (hg19) VCF-style: chr19-59056254-G-C.
Other names: short protein forms A44P.
Identifiers: ClinVar variation 2347242 (VCV002347242.6), dbSNP rs1048088873, ClinGen allele CA310605547.

ClinVar aggregate classification (germline): Uncertain significance. Review status: criteria provided, multiple submitters, no conflicts (2 of 4 stars). 2 submissions from 2 submitters: Uncertain significance (2). Last evaluated 2025-07-18.

Allele frequency attached by ClinVar (database versions not stated): 1000 Genomes Project 30x 0.00016; gnomAD 0.00024.
gnomAD v4.1: 576 of 1,370,048 alleles (0.042%); highest among the groups gnomAD compares: Non-Finnish European, 0.051%; no homozygotes.

Submissions (2):

Labcorp Genetics (formerly Invitae), Labcorp
Classification: Uncertain significance. Last evaluated: 2025-07-18. Review status: criteria provided, single submitter. Criteria: Invitae Variant Classification Sherloc (09022015). Collection method: clinical testing. Allele origin: germline.
Comment: This sequence change replaces alanine, which is neutral and non-polar, with proline, which is neutral and non-polar, at codon 44 of the TRIM28 protein (p.Ala44Pro). This variant is present in population databases (no rsID available, gnomAD 0.05%), and has an allele count higher than expected for a pathogenic variant. This variant has not been reported in the literature in individuals affected with TRIM28-related conditions. ClinVar contains an entry for this variant (Variation ID: 2347242). Experimental studies and prediction algorithms are not available or were not evaluated, and the functional significance of this variant is currently unknown. In summary, the available evidence is currently insufficient to determine the role of this variant in disease. Therefore, it has been classified as a Variant of Uncertain Significance.

Ambry Genetics
Classification: Uncertain significance. Last evaluated: 2024-11-15. Review status: criteria provided, single submitter. Criteria: Ambry Variant Classification Scheme 2023. Collection method: clinical testing. Allele origin: germline.